The following is an entry in ClinVar:

NM_001025603.2(RFX5):c.172del (p.Asp58fs)

Gene: RFX5 (regulatory factor X5; minus strand). Cytogenetic location: 1q21.3.
Variant type: Deletion.
Coding change: c.172del on transcript NM_001025603.2 (MANE Select); coding-DNA position 172, one base deleted (G; older notation c.172delG).
Protein change: p.Asp58fs; shifts the reading frame from aspartic acid 58.
Molecular consequence: frameshift variant.
Genome position (GRCh38, 1-based): chr1:151,345,167, C deleted on the plus strand (G on the coding strand, the reverse complement: RFX5 is on the minus strand). VCF-style (leftmost placement, unchanged base first): chr1-151345166-TC-T. GRCh37 (hg19) VCF-style: chr1-151317642-TC-T.
Other names: c.172del, p.Asp58fs (NM_000449.4, NM_001379412.1, NM_001379413.1 and 7 more transcripts); short protein forms D58fs.
Identifiers: ClinVar variation 2808991 (VCV002808991.3), dbSNP rs2529040595, ClinGen allele CA2604662643.
Genomic context (GRCh38, chr1:151,345,166, plus strand): 5'-CTTTTGTCTCCAGTGGTGGGTCCTGAGGGGAGCTGAAGGTAGAGATACAGCTTGTCATTG[TC>T]AGAAAATTTCTGTACATCTTGCTGAGGTAGGAGAGAACAGAGGCAGGAGAAATAATAAGG-3'

ClinVar aggregate classification (germline): Pathogenic (1 of 4 stars; one submission).

Conditions:
MHC class II deficiency. Also called: Bare lymphocyte syndrome 2; BLS, TYPE II. Identifiers: Orphanet 572, MedGen C5447452, MONDO:0008855.

Allele frequency attached by ClinVar (database versions not stated): gnomAD 0.00001.

Submission:

Labcorp Genetics (formerly Invitae), Labcorp
Classification: Pathogenic for MHC class II deficiency. Last evaluated: 2022-10-19. Review status: criteria provided, single submitter. Criteria: Invitae Variant Classification Sherloc (09022015). Collection method: clinical testing. Allele origin: germline.
Comment: For these reasons, this variant has been classified as Pathogenic. This variant has not been reported in the literature in individuals affected with RFX5-related conditions. This variant is not present in population databases (gnomAD no frequency). This sequence change creates a premature translational stop signal (p.Asp58Thrfs*27) in the RFX5 gene. It is expected to result in an absent or disrupted protein product. Loss-of-function variants in RFX5 are known to be pathogenic (PMID: 7744245, 9401005, 10079298).

Literature cited by the submitters: PubMed 7744245; PubMed 9401005; PubMed 10079298.